The following is an entry in ClinVar:

ClinVar aggregate classification (germline): Uncertain significance. Review status: criteria provided, multiple submitters, no conflicts (2 of 4 stars). 2 submissions from 2 submitters: Uncertain significance (2). Last evaluated 2024-12-18.

Conditions:
Metachromatic leukodystrophy (MLD). Also called: Arylsulfatase A Deficiency; SULFATIDE LIPIDOSIS; ARSA DEFICIENCY; CEREBROSIDE SULFATASE DEFICIENCY; Cerebral sclerosis diffuse metachromatic form; METACHROMATIC LEUKOENCEPHALOPATHY. Identifiers: Orphanet 512, MedGen C0023522, MONDO:0018868, OMIM 250100.

Allele frequency attached by ClinVar (database versions not stated): gnomAD 0.00001; gnomAD exomes 0.00002; TOPMed 0.00002; ExAC 0.00004; ESP Exome Variant Server 0.00008.

Submissions (2):

GeneDx
Classification: Uncertain significance. Last evaluated: 2024-12-18. Review status: criteria provided, single submitter. Criteria: GeneDx Variant Classification Process June 2021. Collection method: clinical testing. Allele origin: germline. Affected: yes.
Comment: Functional studies demonstrate a reduction in ARSA activity resulting in some decrease of function, however ARSA is not completely damaged (PMID: 37480112); In silico analysis indicates that this missense variant does not alter protein structure/function; This variant is associated with the following publications: (PMID: 31684987, 37480112)

Labcorp Genetics (formerly Invitae), Labcorp
Classification: Uncertain significance for Metachromatic leukodystrophy. Last evaluated: 2024-10-23. Review status: criteria provided, single submitter. Criteria: Invitae Variant Classification Sherloc (09022015). Collection method: clinical testing. Allele origin: germline.
Comment: This sequence change replaces arginine, which is basic and polar, with glutamine, which is neutral and polar, at codon 293 of the ARSA protein (p.Arg293Gln). This variant is present in population databases (rs373866455, gnomAD 0.02%). This variant has not been reported in the literature in individuals affected with ARSA-related conditions. ClinVar contains an entry for this variant (Variation ID: 1383720). Invitae Evidence Modeling of protein sequence and biophysical properties (such as structural, functional, and spatial information, amino acid conservation, physicochemical variation, residue mobility, and thermodynamic stability) has been performed for this missense variant. However, the output from this modeling did not meet the statistical confidence thresholds required to predict the impact of this variant on ARSA protein function. In summary, the available evidence is currently insufficient to determine the role of this variant in disease. Therefore, it has been classified as a Variant of Uncertain Significance.

NM_000487.6(ARSA):c.878G>A (p.Arg293Gln)

Gene: ARSA (arylsulfatase A; minus strand). Cytogenetic location: 22q13.33.
Variant type: single nucleotide variant.
Coding change: c.878G>A on transcript NM_000487.6 (MANE Select); coding-DNA position 878, G replaced by A.
Protein change: p.Arg293Gln; replaces arginine 293 with glutamine.
Molecular consequence: missense variant.
Genome position (GRCh38, 1-based): chr22:50,626,255, C>T on the plus strand (G>A on the coding strand, the complement: ARSA is on the minus strand). VCF-style: chr22-50626255-C-T. GRCh37 (hg19) VCF-style: chr22-51064683-C-T.
Other names: c.620G>A, p.Arg207Gln (NM_001085428.3, NM_001362782.2); c.878G>A, p.Arg293Gln (NM_001085425.3, NM_001085426.3, NM_001085427.3); short protein forms R207Q, R293Q.
Identifiers: ClinVar variation 1383720 (VCV001383720.7), dbSNP rs373866455, ClinGen allele CA10324888.